The following is an entry in ClinVar:

NM_031407.7(HUWE1):c.7728A>G (p.Ile2576Met)

Gene: HUWE1 (HECT, UBA and WWE domain containing E3 ubiquitin protein ligase 1; minus strand). Cytogenetic location: Xp11.22.
Variant type: single nucleotide variant.
Coding change: c.7728A>G on transcript NM_031407.7 (MANE Select); coding-DNA position 7728, A replaced by G.
Protein change: p.Ile2576Met; replaces isoleucine 2576 with methionine.
Molecular consequence: missense variant.
Genome position (GRCh38, 1-based): chrX:53,560,196, T>C on the plus strand (A>G on the coding strand, the complement: HUWE1 is on the minus strand). VCF-style: chrX-53560196-T-C. GRCh37 (hg19) VCF-style: chrX-53587157-T-C.
Other names: short protein forms I2576M.
Identifiers: ClinVar variation 1878926 (VCV001878926.1), dbSNP rs2523914417, ClinGen allele CA413154390.

ClinVar aggregate classification (germline): Uncertain significance (1 of 4 stars; one submission).

Submission:

GeneDx
Classification: Uncertain significance. Last evaluated: 2022-07-14. Review status: criteria provided, single submitter. Criteria: GeneDx Variant Classification Process June 2021. Collection method: clinical testing. Allele origin: germline. Affected: yes.
Comment: Not observed at significant frequency in large population cohorts (gnomAD); In silico analysis supports that this missense variant does not alter protein structure/function; Has not been previously published as pathogenic or benign to our knowledge